The following is an entry in ClinVar:

ClinVar aggregate classification (germline): Uncertain significance. Review status: criteria provided, multiple submitters, no conflicts (2 of 4 stars). 2 submissions from 2 submitters: Uncertain significance (2). Last evaluated 2025-08-11.

Conditions:
Charcot-Marie-Tooth disease axonal type 2C (HMSN2C). Also called: Charcot-Marie-Tooth Disease Type 2, TRPV4-Related (CMT2C); CHARCOT-MARIE-TOOTH DISEASE, AXONAL, AUTOSOMAL DOMINANT, TYPE 2C; Charcot-Marie-Tooth Neuropathy Type 2C. Identifiers: Orphanet 99937, MedGen C1853710, MONDO:0011633, OMIM 606071.

Submissions (2):

Labcorp Genetics (formerly Invitae), Labcorp
Classification: Uncertain significance for Charcot-Marie-Tooth disease axonal type 2C. Last evaluated: 2025-08-11. Review status: criteria provided, single submitter. Criteria: Invitae Variant Classification Sherloc (09022015). Collection method: clinical testing. Allele origin: germline.
Comment: This sequence change replaces leucine, which is neutral and non-polar, with proline, which is neutral and non-polar, at codon 291 of the TRPV4 protein (p.Leu291Pro). This variant is not present in population databases (gnomAD no frequency). This variant has not been reported in the literature in individuals affected with TRPV4-related conditions. ClinVar contains an entry for this variant (Variation ID: 1981379). Invitae Evidence Modeling of protein sequence and biophysical properties (such as structural, functional, and spatial information, amino acid conservation, physicochemical variation, residue mobility, and thermodynamic stability) has been performed for this missense variant. However, the output from this modeling did not meet the statistical confidence thresholds required to predict the impact of this variant on TRPV4 protein function. In summary, the available evidence is currently insufficient to determine the role of this variant in disease. Therefore, it has been classified as a Variant of Uncertain Significance.

GeneDx
Classification: Uncertain significance. Last evaluated: 2024-07-24. Review status: criteria provided, single submitter. Criteria: GeneDx Variant Classification Process June 2021. Collection method: clinical testing. Allele origin: germline. Affected: yes.
Comment: Not observed at significant frequency in large population cohorts (gnomAD); In silico analysis supports that this missense variant has a deleterious effect on protein structure/function; Has not been previously published as pathogenic or benign to our knowledge

NM_021625.5(TRPV4):c.872T>C (p.Leu291Pro)

Gene: TRPV4 (transient receptor potential cation channel subfamily V member 4; minus strand). Cytogenetic location: 12q24.11.
Variant type: single nucleotide variant.
Coding change: c.872T>C on transcript NM_021625.5 (MANE Select); coding-DNA position 872, T replaced by C.
Protein change: p.Leu291Pro; replaces leucine 291 with proline.
Molecular consequence: missense variant.
Genome position (GRCh38, 1-based): chr12:109,798,894, A>G on the plus strand (T>C on the coding strand, the complement: TRPV4 is on the minus strand). VCF-style: chr12-109798894-A-G. GRCh37 (hg19) VCF-style: chr12-110236699-A-G.
Other names: c.731T>C, p.Leu244Pro (NM_001177428.2, NM_001177433.2); c.770T>C, p.Leu257Pro (NM_001177431.2); c.872T>C, p.Leu291Pro (NM_147204.3); short protein forms L244P, L257P, L291P.
Identifiers: ClinVar variation 1981379 (VCV001981379.5), dbSNP rs2548750923, ClinGen allele CA386655176.